The following is an entry in ClinVar:

NM_007294.4(BRCA1):c.3851A>T (p.His1284Leu)

Genes: BRCA1 (BRCA1 DNA repair associated; minus strand), LOC126862571 (BRD4-independent group 4 enhancer GRCh37_chr17:41243136-41244335; plus strand). Cytogenetic location: 17q21.31.
Variant type: single nucleotide variant.
Coding change: c.3851A>T on transcript NM_007294.4 (MANE Select); coding-DNA position 3851, A replaced by T.
Protein change: p.His1284Leu; replaces histidine 1284 with leucine.
Molecular consequence: missense variant. On other transcripts: intron variant (135).
Genome position (GRCh38, 1-based): chr17:43,091,680, T>A on the plus strand (A>T on the coding strand, the complement: BRCA1 is on the minus strand). VCF-style: chr17-43091680-T-A. GRCh37 (hg19) VCF-style: chr17-41243697-T-A.
Other names: c.3638A>T, p.His1213Leu (NM_001407571.1, NM_001407853.1, NM_001407894.1 and 9 more transcripts); c.3851A>T, p.His1284Leu (NM_001407581.1, NM_001407582.1, NM_001407583.1 and 30 more transcripts); c.3848A>T, p.His1283Leu (NM_001407587.1, NM_001407590.1, NM_001407591.1 and 22 more transcripts); c.3842A>T, p.His1281Leu (NM_001407646.1, NM_001407647.1); c.3728A>T, p.His1243Leu (NM_001407648.1, NM_001407664.1, NM_001407665.1 and 19 more transcripts); c.3725A>T, p.His1242Leu (NM_001407649.1, NM_001407670.1, NM_001407671.1 and 11 more transcripts); c.3773A>T, p.His1258Leu (NM_001407653.1, NM_001407654.1, NM_001407655.1 and 4 more transcripts); c.3770A>T, p.His1257Leu (NM_001407659.1, NM_001407660.1, NM_001407661.1 and 1 more transcripts); and 41 more; short protein forms H1284L, H1237L, H1173L, H1213L, H1236L, H1258L, H1172L, H1195L.
Identifiers: ClinVar variation 824302 (VCV000824302.7), dbSNP rs80357499, ClinGen allele CA10594261.
Genomic context (GRCh38, chr17:43,091,680, plus strand): 5'-TCCAATTCACTGCACTGTGAAGAAAACAAGCTAGCAGAACATTTTGTTTCCTCACTAAGG[T>A]GATGTTCCTGAGATGCCTTTGCCAATATTACCTGGTTACTGCAGTCATTTAAGCTATTCT-3'
Protein context (NP_009225.1, residues 1274-1294): VILAKASQEH[His1284Leu]LSEETKCSAS

ClinVar aggregate classification (germline): Conflicting classifications of pathogenicity. Review status: criteria provided, conflicting classifications (1 of 4 stars). 2 submissions from 2 submitters: Uncertain significance (1); Likely benign (1). Last evaluated 2023-03-23.

Conditions:
Hereditary cancer-predisposing syndrome. Also called: Neoplastic Syndromes, Hereditary; Tumor predisposition; Hereditary neoplastic syndrome; Hereditary Cancer Syndrome. Identifiers: Orphanet 140162, MedGen C0027672, MeSH D009386, MONDO:0015356.

Submissions (2):

University of Washington Department of Laboratory Medicine, University of Washington
Classification: Likely benign for Hereditary cancer-predisposing syndrome. Last evaluated: 2023-03-23. Review status: criteria provided, single submitter. Criteria: Dines et al. (Genet Med. 2020). Collection method: curation. Allele origin: germline.
Comment: Missense variant in a coldspot region where missense variants are very unlikely to be pathogenic (PMID:31911673).

BRCA1 coldspot (exon 11 using historical exon numbering). Reclassification based on statistical prior probability

Ambry Genetics
Classification: Uncertain significance for Hereditary cancer-predisposing syndrome. Last evaluated: 2019-08-22. Review status: criteria provided, single submitter. Criteria: Ambry Variant Classification Scheme 2023. Collection method: clinical testing. Allele origin: germline.
Comment: The p.H1284L variant (also known as c.3851A>T), located in coding exon 9 of the BRCA1 gene, results from an A to T substitution at nucleotide position 3851. The histidine at codon 1284 is replaced by leucine, an amino acid with similar properties. This amino acid position is not well conserved in available vertebrate species. In addition, the in silico prediction for this alteration is inconclusive. Since supporting evidence is limited at this time, the clinical significance of this alteration remains unclear.